The following is an entry in ClinVar:

NM_024753.5(TTC21B):c.1103A>T (p.Gln368Leu)

Gene: TTC21B (tetratricopeptide repeat domain 21B; minus strand). Cytogenetic location: 2q24.3.
Variant type: single nucleotide variant.
Coding change: c.1103A>T on transcript NM_024753.5 (MANE Select); coding-DNA position 1103, A replaced by T.
Protein change: p.Gln368Leu; replaces glutamine 368 with leucine.
Molecular consequence: missense variant.
Genome position (GRCh38, 1-based): chr2:165,929,732, T>A on the plus strand (A>T on the coding strand, the complement: TTC21B is on the minus strand). VCF-style: chr2-165929732-T-A. GRCh37 (hg19) VCF-style: chr2-166786242-T-A.
Other names: short protein forms Q368L.
Identifiers: ClinVar variation 2119429 (VCV002119429.1), dbSNP rs2105343927, ClinGen allele CA349066317.
Genomic context (GRCh38, chr2:165,929,732, plus strand): 5'-TGGATTTCATTTAAAAATTCTAGCTGCTGATCTGCATCCTGTAATTGCCCTTCTATCAAC[T>A]GACATTGGATAAATCCTAAAATCAAACAGCAGAAAGACAGTCAAAGTCCACACCAATTCA-3'
Protein context (NP_079029.3, residues 358-378): VSALVGFIQC[Gln368Leu]LIEGQLQDAD

ClinVar aggregate classification (germline): Uncertain significance (1 of 4 stars; one submission).

Conditions:
Jeune thoracic dystrophy. Also called: Infantile thoracic dystrophy; Thoracic pelvic phalangeal dystrophy; Jeune's syndrome; Chondroectodermal dysplasia-like syndrome; Short-rib thoracic dysplasia; Jeune syndrome. Identifiers: Orphanet 474, MedGen C0265275, MONDO:0018770.
Nephronophthisis. Also called: Juvenile Nephronophthisis. Identifiers: Orphanet 655, MedGen C0687120, MONDO:0019005, HP:0000090.

Submission:

Labcorp Genetics (formerly Invitae), Labcorp
Classification: Uncertain significance for Jeune thoracic dystrophy; Nephronophthisis. Last evaluated: 2022-03-29. Review status: criteria provided, single submitter. Criteria: Invitae Variant Classification Sherloc (09022015). Collection method: clinical testing. Allele origin: germline.
Comment: This sequence change replaces glutamine, which is neutral and polar, with leucine, which is neutral and non-polar, at codon 368 of the TTC21B protein (p.Gln368Leu). This variant is not present in population databases (gnomAD no frequency). This variant has not been reported in the literature in individuals affected with TTC21B-related conditions. Algorithms developed to predict the effect of missense changes on protein structure and function are either unavailable or do not agree on the potential impact of this missense change (SIFT: "Tolerated"; PolyPhen-2: "Probably Damaging"; Align-GVGD: "Class C0"). In summary, the available evidence is currently insufficient to determine the role of this variant in disease. Therefore, it has been classified as a Variant of Uncertain Significance.